The following is an entry in ClinVar:

NM_000384.3(APOB):c.3397G>T (p.Ala1133Ser)

Gene: APOB (apolipoprotein B; minus strand). Cytogenetic location: 2p24.1.
Variant type: single nucleotide variant.
Coding change: c.3397G>T on transcript NM_000384.3 (MANE Select); coding-DNA position 3397, G replaced by T.
Protein change: p.Ala1133Ser; replaces alanine 1133 with serine.
Molecular consequence: missense variant.
Genome position (GRCh38, 1-based): chr2:21,015,481, C>A on the plus strand (G>T on the coding strand, the complement: APOB is on the minus strand). VCF-style: chr2-21015481-C-A. GRCh37 (hg19) VCF-style: chr2-21238353-C-A.
Other names: short protein forms A1133S.
Identifiers: ClinVar variation 2580624 (VCV002580624.1), dbSNP rs2465388164, ClinGen allele CA346009170.

ClinVar aggregate classification (germline): Uncertain significance (1 of 4 stars; one submission).

Submission:

GeneDx
Classification: Uncertain significance. Last evaluated: 2023-03-22. Review status: criteria provided, single submitter. Criteria: GeneDx Variant Classification Process June 2021. Collection method: clinical testing. Allele origin: germline. Affected: yes.
Comment: Not observed at significant frequency in large population cohorts (gnomAD); In silico analysis supports that this missense variant does not alter protein structure/function; Has not been previously published as pathogenic or benign to our knowledge